The following is an entry in ClinVar:

ClinVar aggregate classification (germline): Uncertain significance (1 of 4 stars; one submission).

Submission:

Labcorp Genetics (formerly Invitae), Labcorp
Classification: Uncertain significance. Last evaluated: 2022-02-28. Review status: criteria provided, single submitter. Criteria: Invitae Variant Classification Sherloc (09022015). Collection method: clinical testing. Allele origin: germline.
Comment: In summary, the available evidence is currently insufficient to determine the role of this variant in disease. Therefore, it has been classified as a Variant of Uncertain Significance. Experimental studies and prediction algorithms are not available or were not evaluated, and the effect of this variant on mRNA splicing is currently unknown. This variant has not been reported in the literature in individuals affected with PPP1R12A-related conditions. This variant is not present in population databases (gnomAD no frequency). This sequence change falls in intron 13 of the PPP1R12A gene. It does not directly change the encoded amino acid sequence of the PPP1R12A protein.

NM_002480.3(PPP1R12A):c.1655+7_1655+9del

Gene: PPP1R12A (protein phosphatase 1 regulatory subunit 12A; minus strand). Cytogenetic location: 12q21.2.
Variant type: Microsatellite.
Coding change: c.1655+7_1655+9del on transcript NM_002480.3 (MANE Select); bases 7 to 9 of the intron after coding-DNA position 1655, 3 bases deleted (ATA; older notation c.1655+7_1655+9delATA).
Molecular consequence: splice donor variant.
Genome position (GRCh38, 1-based): chr12:79,807,217-79,807,219, TAT deleted on the plus strand (ATA on the coding strand, the reverse complement: PPP1R12A is on the minus strand); deleting any 3 consecutive bases within chr12:79,807,217-79,807,224 gives the same sequence; the c. name uses the placement nearest the transcript's 3' end. VCF-style (leftmost placement, unchanged base first): chr12-79807216-GTAT-G. GRCh37 (hg19) VCF-style: chr12-80200996-GTAT-G.
Other names: c.1655+7_1655+9del (NM_001244992.1, NM_001244990.2, NM_001143885.2); c.1394+7_1394+9del (NM_001143886.2).
Identifiers: ClinVar variation 2084169 (VCV002084169.4), dbSNP rs2547908835, ClinGen allele CA2580616822.
Genomic context (GRCh38, chr12:79,807,216, plus strand): 5'-GGCTCCAAACAAATTGCCTCATATTTTTATAAATGAATACATAAAAACCGCTTAAGAATA[GTAT>G]TATTACCTTTTATGATACGTTGATCCTTCATTAACTGAGCTATTTTTTTTAAGATCATCT-3'